The following is an entry in ClinVar:

ClinVar aggregate classification (germline): Likely pathogenic (1 of 4 stars; one submission).

Conditions:
NPHP4-related disorder. Also called: NPHP4-related disorders; NPHP4-related condition. Identifiers: MedGen CN239384.

Submission:

PreventionGenetics, part of Exact Sciences
Classification: Likely pathogenic for NPHP4-related condition. Last evaluated: 2025-12-04. Review status: criteria provided, single submitter. Criteria: ACMG Guidelines, 2015. Collection method: clinical testing. Allele origin: germline.
Comment: The NPHP4 c.3102_3103delAC variant is predicted to result in a frameshift and premature protein termination (p.Pro1035Glyfs*67). To our knowledge, this variant has not been reported in the literature or in a large population database (gnomAD), indicating this variant is rare. Frameshift variants in NPHP4 are expected to be pathogenic. This variant is interpreted as likely pathogenic.

NM_015102.5(NPHP4):c.3102_3103del (p.Pro1035fs)

Gene: NPHP4 (nephrocystin 4; minus strand). Cytogenetic location: 1p36.31.
Variant type: Microsatellite.
Coding change: c.3102_3103del on transcript NM_015102.5 (MANE Select); coding-DNA positions 3102 to 3103, 2 bases deleted (AC; older notation c.3102_3103delAC).
Protein change: p.Pro1035fs; shifts the reading frame from proline 1035.
Molecular consequence: frameshift variant. On other transcripts: non-coding transcript variant (1).
Genome position (GRCh38, 1-based): chr1:5,874,599-5,874,600, GT deleted on the plus strand (AC on the coding strand, the reverse complement: NPHP4 is on the minus strand); deleting any 2 consecutive bases within chr1:5,874,599-5,874,605 gives the same sequence; the c. name uses the placement nearest the transcript's 3' end. VCF-style (leftmost placement, unchanged base first): chr1-5874598-GGT-G. GRCh37 (hg19) VCF-style: chr1-5934658-GGT-G.
Other names: c.1563_1564del, p.Pro522fs (NM_001291593.2); c.1566_1567del, p.Pro523fs (NM_001291594.2); short protein forms P1035fs, P522fs, P523fs.
Identifiers: ClinVar variation 5001690 (VCV005001690.1).